The following is an entry in ClinVar:

NM_000823.4(GHRHR):c.1146G>A (p.Glu382=)

Gene: GHRHR (growth hormone releasing hormone receptor; plus strand). Cytogenetic location: 7p14.3.
Variant type: single nucleotide variant.
Coding change: c.1146G>A on transcript NM_000823.4 (MANE Select); coding-DNA position 1146, G replaced by A.
Protein change: p.Glu382=; no amino-acid change (glutamic acid 382 retained).
Molecular consequence: synonymous variant.
Genome position (GRCh38, 1-based): chr7:30,977,322, G>A. VCF-style: chr7-30977322-G-A. GRCh37 (hg19) VCF-style: chr7-31016937-G-A.
Identifiers: ClinVar variation 3720730 (VCV003720730.3).
Genomic context (GRCh38, chr7:30,977,322, plus strand): 5'-TTCTTCTTTGGACCCACAGGGCTTCATTGTTGCCATCCTCTACTGCTTCCTCAACCAAGA[G>A]GTGTGTGATTTTTGAGGCTATCCCTCATGGAGTCCCCCTCCCACCAGACCTAAGGCCCCT-3'
Protein context (NP_000814.2, residues 372-392): VAILYCFLNQ[Glu382=]VRTEISRKWH

ClinVar aggregate classification (germline): Pathogenic/Likely pathogenic. Review status: criteria provided, multiple submitters, no conflicts (2 of 4 stars). 2 submissions from 2 submitters: Pathogenic (1); Likely pathogenic (1). Last evaluated 2024-03-13.

Conditions:
GHRHR-related disorder. Also called: GHRHR-related condition.

gnomAD v4.1: 19 of 1,613,748 alleles (0.0012%); highest among the groups gnomAD compares: Admixed American, 0.0017%; no homozygotes.

Submissions (2):

Labcorp Genetics (formerly Invitae), Labcorp
Classification: Pathogenic. Last evaluated: 2024-03-13. Review status: criteria provided, single submitter. Criteria: Invitae Variant Classification Sherloc (09022015). Collection method: clinical testing. Allele origin: germline.
Comment: This sequence change affects codon 382 of the GHRHR mRNA. It is a 'silent' change, meaning that it does not change the encoded amino acid sequence of the GHRHR protein. RNA analysis indicates that this variant induces altered splicing and likely results in a shortened protein product. This variant is present in population databases (rs200743419, gnomAD 0.003%). This variant has been observed in individual(s) with growth hormone deficiency (PMID: 21044116, 23052699). In at least one individual the data is consistent with being in trans (on the opposite chromosome) from a pathogenic variant. Variants that disrupt the consensus splice site are a relatively common cause of aberrant splicing (PMID: 17576681, 9536098). Studies have shown that this variant results in skipping of exon 12, but is expected to preserve the integrity of the reading-frame (PMID: 21044116). For these reasons, this variant has been classified as Pathogenic.

Blueprint Genetics
Classification: Likely pathogenic for GHRHR-related disorders. Last evaluated: 2023-11-20. Review status: criteria provided, single submitter. Criteria: ACMG Guidelines, 2015. Collection method: clinical testing. Allele origin: germline. Affected: yes. Observed: 5 variant alleles.

Literature cited by the submitters: PubMed 21044116 (cited by Labcorp Genetics (formerly Invitae), Labcorp); PubMed 23052699 (cited by Labcorp Genetics (formerly Invitae), Labcorp); PubMed 17576681 (cited by Labcorp Genetics (formerly Invitae), Labcorp); PubMed 9536098 (cited by Labcorp Genetics (formerly Invitae), Labcorp).